The following is an entry in ClinVar:

NM_000179.3(MSH6):c.3820G>A (p.Glu1274Lys)

Gene: MSH6 (mutS homolog 6; plus strand). Cytogenetic location: 2p16.3.
Variant type: single nucleotide variant.
Coding change: c.3820G>A on transcript NM_000179.3 (MANE Select); coding-DNA position 3820, G replaced by A.
Protein change: p.Glu1274Lys; replaces glutamic acid 1274 with lysine.
Molecular consequence: missense variant.
Genome position (GRCh38, 1-based): chr2:47,806,470, G>A. VCF-style: chr2-47806470-G-A. GRCh37 (hg19) VCF-style: chr2-48033609-G-A.
Other names: c.3430G>A, p.Glu1144Lys (NM_001281492.2); c.2914G>A, p.Glu972Lys (NM_001281493.2, NM_001281494.2); short protein forms E1274K, E972K, E1144K.
Identifiers: ClinVar variation 89470 (VCV000089470.11), dbSNP rs587779294, ClinGen allele CA014432.

ClinVar aggregate classification (germline): Uncertain significance (1 of 4 stars; one submission).

Conditions:
Hereditary nonpolyposis colorectal neoplasms. Identifiers: MedGen C0009405, MeSH D003123.

Submission:

Labcorp Genetics (formerly Invitae), Labcorp
Classification: Uncertain significance for Hereditary nonpolyposis colorectal neoplasms. Last evaluated: 2019-07-19. Review status: criteria provided, single submitter. Criteria: Invitae Variant Classification Sherloc (09022015). Collection method: clinical testing. Allele origin: germline.
Comment: In summary, the available evidence is currently insufficient to determine the role of this variant in disease. Therefore, it has been classified as a Variant of Uncertain Significance. This variant is not present in population databases (ExAC no frequency). This variant has been reported in individuals in the Leiden Open-source Variation Database (PMID: 21520333). ClinVar contains an entry for this variant (Variation ID: 89470). An algorithm developed specifically for the MSH6 gene suggests that this missense change is likely to be tolerated (PMID: 23621914). However, this prediction has not been confirmed by published functional studies and its clinical significance is uncertain. This sequence change replaces glutamic acid with lysine at codon 1274 of the MSH6 protein (p.Glu1274Lys). The glutamic acid residue is highly conserved and there is a small physicochemical difference between glutamic acid and lysine.

Literature cited by the submitters: PubMed 21520333; PubMed 23621914.